The following is an entry in ClinVar:

ClinVar aggregate classification (germline): Benign/Likely benign. Review status: criteria provided, multiple submitters, no conflicts (2 of 4 stars). 6 submissions from 6 submitters: Benign (4); Likely benign (1). 1 of the submissions does not count toward it. Last evaluated 2026-02-03.

Conditions:
BRAT1-related disorder. Also called: BRAT1-related condition; BRAT1-related disorders.
Neonatal-onset encephalopathy with rigidity and seizures. Also called: Lethal neonatal spasticity-epileptic encephalopathy syndrome. Identifiers: Orphanet 435845, MedGen C3281029, MONDO:0013784, OMIM 614498.

Allele frequency attached by ClinVar (database versions not stated): ESP Exome Variant Server 0.00818; gnomAD 0.00936; TOPMed 0.01059; 1000 Genomes Project 0.01098; 1000 Genomes Project 30x 0.01187.
gnomAD v4.1: 2,691 of 1,524,778 alleles (0.18%); highest among the groups gnomAD compares: African/African-American, 3.1%; 32 homozygotes.

Submissions (10):

Labcorp Genetics (formerly Invitae), Labcorp
Classification: Benign for Neonatal-onset encephalopathy with rigidity and seizures. Last evaluated: 2026-02-03. Review status: criteria provided, single submitter. Criteria: Invitae Variant Classification Sherloc (09022015). Collection method: clinical testing. Allele origin: germline.

Mayo Clinic Laboratories, Mayo Clinic
Classification: Benign. Last evaluated: 2025-04-21. Review status: criteria provided, single submitter. Criteria: ACMG Guidelines, 2015. Collection method: clinical testing. Allele origin: germline. Observed: 1 variant allele.
Comment: BA1, BS2, BP4, BP7

ARUP Laboratories, Molecular Genetics and Genomics, ARUP Laboratories
Classification: Benign. Last evaluated: 2025-01-22. Review status: criteria provided, single submitter. Criteria: ARUP Molecular Germline Variant Investigation Process 2024. Collection method: clinical testing. Allele origin: germline.

GeneDx
Classification: Benign. Last evaluated: 2019-07-24. Review status: criteria provided, single submitter. Criteria: GeneDx Variant Classification Process June 2021. Collection method: clinical testing. Allele origin: germline. Affected: yes.

Center for Pediatric Genomic Medicine, Children's Mercy Hospital and Clinics
Classification: Likely benign. Last evaluated: 2017-08-31. Review status: criteria provided, single submitter. Criteria: ACMG Guidelines, 2015. Collection method: clinical testing. Allele origin: germline.

PreventionGenetics, part of Exact Sciences
Classification: Benign for BRAT1-related condition. Last evaluated: 2021-06-30. Review status: no assertion criteria provided. Collection method: clinical testing. Allele origin: germline. Not counted in ClinVar's aggregate classification.
Comment: This variant is classified as benign based on ACMG/AMP sequence variant interpretation guidelines (Richards et al. 2015 PMID: 25741868, with internal and published modifications).

Dr. Peter K. Rogan Lab, Western University
No classification provided (evidence only). Condition: Ovarian serous cystadenocarcinoma. Review status: no classification provided. Collection method: in vitro. Allele origin: not applicable. Functional consequence: retained intron. Not counted in ClinVar's aggregate classification.

Dr. Peter K. Rogan Lab, Western University
No classification provided (evidence only). Condition: Gastric cancer. Review status: no classification provided. Collection method: in vitro. Allele origin: not applicable. Functional consequence: retained intron. Not counted in ClinVar's aggregate classification.

Dr. Peter K. Rogan Lab, Western University
No classification provided (evidence only). Condition: Malignant tumor of esophagus. Review status: no classification provided. Collection method: in vitro. Allele origin: not applicable. Functional consequence: retained intron. Not counted in ClinVar's aggregate classification.

Dr. Peter K. Rogan Lab, Western University
No classification provided (evidence only). Condition: Malignant tumor of esophagus. Review status: no classification provided. Collection method: in vitro. Allele origin: not applicable. Functional consequence: retained intron. Not counted in ClinVar's aggregate classification.

NM_152743.4(BRAT1):c.1135-8C>A

Gene: BRAT1 (BRCA1 associated ATM activator 1; minus strand). Cytogenetic location: 7p22.3.
Variant type: single nucleotide variant.
Coding change: c.1135-8C>A on transcript NM_152743.4 (MANE Select); 8 bases into the intron before coding-DNA position 1135, C replaced by A.
Molecular consequence: intron variant.
Genome position (GRCh38, 1-based): chr7:2,541,492, G>T on the plus strand (C>A on the coding strand, the complement: BRAT1 is on the minus strand). VCF-style: chr7-2541492-G-T. GRCh37 (hg19) VCF-style: chr7-2581126-G-T.
Other names: p.?; c.610-8C>A (NM_001350627.2); c.1135-8C>A (NM_001350626.2).
Identifiers: ClinVar variation 445749 (VCV000445749.20), dbSNP rs113613637, ClinGen allele CA4127900.